The following is an entry in ClinVar:

ClinVar aggregate classification (germline): Pathogenic (1 of 4 stars; one submission).

Submission:

Labcorp Genetics (formerly Invitae), Labcorp
Classification: Pathogenic. Last evaluated: 2025-06-17. Review status: criteria provided, single submitter. Criteria: Invitae Variant Classification Sherloc (09022015). Collection method: clinical testing. Allele origin: germline.
Comment: This sequence change creates a premature translational stop signal (p.Ala250Cysfs*9) in the RARS gene. It is expected to result in an absent or disrupted protein product. Loss-of-function variants in RARS are known to be pathogenic (PMID: 24777941). This variant is not present in population databases (gnomAD no frequency). This variant has not been reported in the literature in individuals affected with RARS-related conditions. ClinVar contains an entry for this variant (Variation ID: 3688633). Algorithms developed to predict the effect of sequence changes on RNA splicing suggest that this variant may disrupt the consensus splice site. For these reasons, this variant has been classified as Pathogenic.

Literature cited by the submitters: PubMed 24777941.

NM_002887.4(RARS1):c.748_754del (p.Ala250fs)

Gene: RARS1 (arginyl-tRNA synthetase 1; plus strand). Cytogenetic location: 5q34.
Variant type: Deletion.
Coding change: c.748_754del on transcript NM_002887.4 (MANE Select); coding-DNA positions 748 to 754, 7 bases deleted (GCTCACC; older notation c.748_754delGCTCACC).
Protein change: p.Ala250fs; shifts the reading frame from alanine 250.
Molecular consequence: frameshift variant.
Genome position (GRCh38, 1-based): chr5:168,497,274-168,497,280, GCTCACC deleted; deleting any 7 consecutive bases within chr5:168,497,273-168,497,280 gives the same sequence; the c. name uses the placement nearest the transcript's 3' end. VCF-style (leftmost placement, unchanged base first): chr5-168497272-TCGCTCAC-T. GRCh37 (hg19) VCF-style: chr5-167924277-TCGCTCAC-T.
Other names: short protein forms A250fs.
Identifiers: ClinVar variation 3688633 (VCV003688633.2).